The following is an entry in ClinVar:

NM_198252.3(GSN):c.1796C>T (p.Ala599Val)

Gene: GSN (gelsolin; plus strand). Cytogenetic location: 9q33.2.
Variant type: single nucleotide variant.
Coding change: c.1796C>T on transcript NM_198252.3 (MANE Select); coding-DNA position 1796, C replaced by T.
Protein change: p.Ala599Val; replaces alanine 599 with valine.
Molecular consequence: missense variant.
Genome position (GRCh38, 1-based): chr9:121,328,924, C>T. VCF-style: chr9-121328924-C-T. GRCh37 (hg19) VCF-style: chr9-124091202-C-T.
Other names: c.1949C>T, p.Ala650Val (NM_000177.5); c.1796C>T, p.Ala599Val (NM_001127662.2, NM_001127664.2, NM_001127665.2 and 10 more transcripts); c.1904C>T, p.Ala635Val (NM_001127663.2); c.1829C>T, p.Ala610Val (NM_001127666.2, NM_001127667.2, NM_001353063.2 and 13 more transcripts); c.1847C>T, p.Ala616Val (NM_001258029.2); c.1820C>T, p.Ala607Val (NM_001258030.2); c.1868C>T, p.Ala623Val (NM_001353076.2); c.1142C>T, p.Ala381Val (NM_001353078.2); short protein forms A599V, A607V, A623V, A650V, A610V, A635V, A381V, A616V.
Identifiers: ClinVar variation 1933115 (VCV001933115.5), dbSNP rs770419491, ClinGen allele CA5221423.

ClinVar aggregate classification (germline): Uncertain significance (1 of 4 stars; one submission).

Allele frequency attached by ClinVar (database versions not stated): TOPMed below 0.00001; ExAC 0.00002.
gnomAD v4.1: 20 of 1,613,138 alleles (0.0012%); highest among the groups gnomAD compares: Admixed American, 0.0017%; no homozygotes.

Submission:

Labcorp Genetics (formerly Invitae), Labcorp
Classification: Uncertain significance. Last evaluated: 2023-07-19. Review status: criteria provided, single submitter. Criteria: Invitae Variant Classification Sherloc (09022015). Collection method: clinical testing. Allele origin: germline.
Comment: ClinVar contains an entry for this variant (Variation ID: 1933115). In summary, the available evidence is currently insufficient to determine the role of this variant in disease. Therefore, it has been classified as a Variant of Uncertain Significance. Advanced modeling of protein sequence and biophysical properties (such as structural, functional, and spatial information, amino acid conservation, physicochemical variation, residue mobility, and thermodynamic stability) performed at Invitae indicates that this missense variant is not expected to disrupt GSN protein function. This variant has not been reported in the literature in individuals affected with GSN-related conditions. This variant is present in population databases (rs770419491, gnomAD 0.004%). This sequence change replaces alanine, which is neutral and non-polar, with valine, which is neutral and non-polar, at codon 650 of the GSN protein (p.Ala650Val).